The following is an entry in ClinVar:

ClinVar aggregate classification (germline): Uncertain significance. Review status: criteria provided, multiple submitters, no conflicts (2 of 4 stars). 2 submissions from 2 submitters: Uncertain significance (2). Last evaluated 2025-11-18.

Conditions:
GLUT1 deficiency syndrome 1, autosomal recessive. Identifiers: MedGen C3149117.

Submissions (2):

GeneDx
Classification: Uncertain significance. Last evaluated: 2025-11-18. Review status: criteria provided, single submitter. Criteria: GeneDx Variant Classification Process June 2021. Collection method: clinical testing. Allele origin: germline. Affected: yes.
Comment: Not observed at significant frequency in large population cohorts (gnomAD); In silico analysis supports that this missense variant has a deleterious effect on protein structure/function; Has not been previously published as pathogenic or benign to our knowledge

Labcorp Genetics (formerly Invitae), Labcorp
Classification: Uncertain significance for GLUT1 deficiency syndrome 1, autosomal recessive. Last evaluated: 2023-05-09. Review status: criteria provided, single submitter. Criteria: Invitae Variant Classification Sherloc (09022015). Collection method: clinical testing. Allele origin: germline.
Comment: This variant is not present in population databases (gnomAD no frequency). This variant has not been reported in the literature in individuals affected with SLC2A1-related conditions. ClinVar contains an entry for this variant (Variation ID: 207205). Advanced modeling of protein sequence and biophysical properties (such as structural, functional, and spatial information, amino acid conservation, physicochemical variation, residue mobility, and thermodynamic stability) performed at Invitae indicates that this missense variant is expected to disrupt SLC2A1 protein function. In summary, the available evidence is currently insufficient to determine the role of this variant in disease. Therefore, it has been classified as a Variant of Uncertain Significance. This sequence change replaces leucine, which is neutral and non-polar, with proline, which is neutral and non-polar, at codon 350 of the SLC2A1 protein (p.Leu350Pro).

NM_006516.4(SLC2A1):c.1049T>C (p.Leu350Pro)

Gene: SLC2A1 (solute carrier family 2 member 1; minus strand). Cytogenetic location: 1p34.2.
Variant type: single nucleotide variant.
Coding change: c.1049T>C on transcript NM_006516.4 (MANE Select); coding-DNA position 1049, T replaced by C.
Protein change: p.Leu350Pro; replaces leucine 350 with proline.
Molecular consequence: missense variant.
Genome position (GRCh38, 1-based): chr1:42,928,957, A>G on the plus strand (T>C on the coding strand, the complement: SLC2A1 is on the minus strand). VCF-style: chr1-42928957-A-G. GRCh37 (hg19) VCF-style: chr1-43394628-A-G.
Other names: p.L350P:CTC>CCC; short protein forms L350P.
Identifiers: ClinVar variation 207205 (VCV000207205.7), dbSNP rs796053257, ClinGen allele CA318455.